The following is an entry in ClinVar:

ClinVar aggregate classification (germline): Uncertain significance (1 of 4 stars; one submission).

Conditions:
Norman-Roberts syndrome (LIS2). Also called: Lissencephaly 2 (Norman-Roberts type). Identifiers: Orphanet 89844, MedGen C0796089, MONDO:0009760, OMIM 257320.
Familial temporal lobe epilepsy 7. Identifiers: Orphanet 101046, MedGen C4225327, MONDO:0014639, OMIM 616436.

gnomAD v4.1: 1 of 1,613,552 alleles (0.000062%); no homozygotes.

Submission:

Labcorp Genetics (formerly Invitae), Labcorp
Classification: Uncertain significance for Familial temporal lobe epilepsy 7; Norman-Roberts syndrome. Last evaluated: 2025-02-10. Review status: criteria provided, single submitter. Criteria: Invitae Variant Classification Sherloc (09022015). Collection method: clinical testing. Allele origin: germline.
Comment: This sequence change replaces threonine, which is neutral and polar, with isoleucine, which is neutral and non-polar, at codon 2750 of the RELN protein (p.Thr2750Ile). This variant is not present in population databases (gnomAD no frequency). This variant has not been reported in the literature in individuals affected with RELN-related conditions. ClinVar contains an entry for this variant (Variation ID: 2090094). Invitae Evidence Modeling of protein sequence and biophysical properties (such as structural, functional, and spatial information, amino acid conservation, physicochemical variation, residue mobility, and thermodynamic stability) indicates that this missense variant is not expected to disrupt RELN protein function with a negative predictive value of 80%. In summary, the available evidence is currently insufficient to determine the role of this variant in disease. Therefore, it has been classified as a Variant of Uncertain Significance.

NM_005045.4(RELN):c.8249C>T (p.Thr2750Ile)

Genes: SLC26A5-AS1 (SLC26A5 antisense RNA 1; plus strand), RELN (reelin; minus strand). Cytogenetic location: 7q22.1.
Variant type: single nucleotide variant.
Coding change: c.8249C>T on transcript NM_005045.4 (MANE Select); coding-DNA position 8249, C replaced by T.
Protein change: p.Thr2750Ile; replaces threonine 2750 with isoleucine.
Molecular consequence: missense variant.
Genome position (GRCh38, 1-based): chr7:103,510,876, G>A on the plus strand (C>T on the coding strand, the complement: RELN is on the minus strand). VCF-style: chr7-103510876-G-A. GRCh37 (hg19) VCF-style: chr7-103151323-G-A.
Other names: c.8249C>T, p.Thr2750Ile (NM_173054.3); short protein forms T2750I.
Identifiers: ClinVar variation 2090094 (VCV002090094.4), dbSNP rs1829384882, ClinGen allele CA368761255.
Genomic context (GRCh38, chr7:103,510,876, plus strand): 5'-TGGTTGTTTATATAATCAAGATCATAACATTTCACCTTGAATTGCATAATCCAGCCTTCA[G>A]TGGGAGTCAGGTCATGGGTCACTGCATACACCTCCCGTCCATCATGACTGCCACAGAGCA-3'
Protein context (NP_005036.2, residues 2740-2760): VYAVTHDLTP[Thr2750Ile]EGWIMQFKIS